The following is an entry in ClinVar:

ClinVar aggregate classification (germline): Uncertain significance (1 of 4 stars; one submission).

Conditions:
Neuromuscular disease caused by qualitative or quantitative defects of dysferlin. Also called: Dysferlinopathy; Qualitative or quantitative defects of dysferlin. Identifiers: Orphanet 207073, MedGen C2931687, MONDO:0016145.

Allele frequency attached by ClinVar (database versions not stated): gnomAD exomes below 0.00001.
gnomAD v4.1: 2 of 1,611,952 alleles (0.00012%); highest among the groups gnomAD compares: Admixed American, 0.0017%; no homozygotes.

Submission:

Labcorp Genetics (formerly Invitae), Labcorp
Classification: Uncertain significance for Neuromuscular disease caused by qualitative or quantitative defects of dysferlin. Last evaluated: 2022-07-03. Review status: criteria provided, single submitter. Criteria: Invitae Variant Classification Sherloc (09022015). Collection method: clinical testing. Allele origin: germline.
Comment: In summary, the available evidence is currently insufficient to determine the role of this variant in disease. Therefore, it has been classified as a Variant of Uncertain Significance. Variants that disrupt the consensus splice site are a relatively common cause of aberrant splicing (PMID: 17576681, 9536098). Algorithms developed to predict the effect of sequence changes on RNA splicing suggest that this variant may disrupt the consensus splice site. This variant has not been reported in the literature in individuals affected with DYSF-related conditions. This variant is not present in population databases (gnomAD no frequency). This sequence change falls in intron 44 of the DYSF gene. It does not directly change the encoded amino acid sequence of the DYSF protein. It affects a nucleotide within the consensus splice site.

Literature cited by the submitters: PubMed 17576681; PubMed 9536098.

NM_001130987.2(DYSF):c.5003+6T>C

Gene: DYSF (dysferlin; plus strand). Cytogenetic location: 2p13.2.
Variant type: single nucleotide variant.
Coding change: c.5003+6T>C on transcript NM_001130987.2 (MANE Select); 6 bases into the intron after coding-DNA position 5003, T replaced by C.
Molecular consequence: intron variant.
Genome position (GRCh38, 1-based): chr2:71,660,657, T>C. VCF-style: chr2-71660657-T-C. GRCh37 (hg19) VCF-style: chr2-71887787-T-C.
Other names: c.4979+6T>C (NM_001130979.2); c.5000+6T>C (NM_001130981.2); c.4937+6T>C (NM_001130980.2); c.4949+6T>C (NM_001130978.2); c.4886+6T>C (NM_003494.4); c.4907+6T>C (NM_001130977.2); c.4844+6T>C (NM_001130976.2); c.4982+6T>C (NM_001130982.2); and 5 more.
Identifiers: ClinVar variation 2049685 (VCV002049685.4), dbSNP rs1558755850, ClinGen allele CA1260147638.
Genomic context (GRCh38, chr2:71,660,657, plus strand): 5'-CAGTGAGTGACCAGGATAACTACATCCCCTGCACGCTGGAGCCCGTATTTGGAAAGTAAA[T>C]TGGGGCATCTTGGGTCTTGGGGTGGAGGAGCCAGACAGGATAACCCACAGTCTAGTGGGG-3'